The following is an entry in ClinVar:

ClinVar aggregate classification (germline): Benign/Likely benign. Review status: criteria provided, multiple submitters, no conflicts (2 of 4 stars). 10 submissions from 5 submitters: Benign (6); Likely benign (4). Last evaluated 2024-10-11.

Conditions:
Retinal dystrophy. Also called: Inherited retinal dystrophy. Identifiers: Orphanet 71862, MedGen C0854723, MeSH D058499, MONDO:0019118, HP:0000556.
Patterned macular dystrophy 1. Also called: BUTTERFLY DYSTROPHY OF RETINAL PIGMENT EPITHELIUM; MACULAR DYSTROPHY, BUTTERFLY-SHAPED PIGMENTARY. Identifiers: Orphanet 99001, MedGen C4551999, MONDO:0008210, OMIM 169150.
Adult-onset foveomacular vitelliform dystrophy. Also called: FOVEOMACULAR DYSTROPHY, ADULT-ONSET; FOVEOMACULAR DYSTROPHY, ADULT-ONSET, WITH OR WITHOUT CHOROIDAL NEOVASCULARIZATION; Adult onset vitelliform dystrophy. Identifiers: Orphanet 99000, MedGen C1842914, MONDO:0011979.
PRPH2-related disorder. Also called: PRPH2-related disorders; PRPH2-related condition. Identifiers: MedGen CN239395.
Pigmentary retinal dystrophy. Also called: Fundus albipunctatus. Identifiers: Orphanet 227796, Orphanet 52427, MedGen C0311338, MONDO:0007639, OMIM 136880, HP:0030642.
Choroidal dystrophy, central areolar 2 (CACD2). Also called: MACULAR DYSTROPHY, PROGRESSIVE; Choriodal Dystrophy, Central Areolar 2. Identifiers: Orphanet 75377, MedGen C2751290, MONDO:0013137, OMIM 613105.
Cone-rod dystrophy. Also called: Cone-rod degeneration; Cone/cone-rod dystrophy. Identifiers: Orphanet 1872, MedGen C4085590, MONDO:0015993, HP:0000548.
Retinitis pigmentosa (RP). Identifiers: Orphanet 791, MedGen C0035334, MeSH D012174, MONDO:0019200, OMIM 268000. Inheritance: Autosomal dominant, autosomal recessive and X linked inheritance.

Allele frequency attached by ClinVar (database versions not stated): gnomAD 0.00049 and 0.00064; gnomAD exomes 0.00060 and 0.00132; TOPMed 0.00083; ExAC 0.00120; 1000 Genomes Project 30x 0.00312; 1000 Genomes Project 0.00359.

Submissions (10):

Blueprint Genetics
Classification: Likely benign. Last evaluated: 2024-10-11. Review status: criteria provided, single submitter. Criteria: ACMG Guidelines, 2015. Collection method: clinical testing. Allele origin: germline.

Dept Of Ophthalmology, Nagoya University
Classification: Benign for Retinal dystrophy. Last evaluated: 2023-10-01. Review status: criteria provided, single submitter. Criteria: Submitter's publication. Collection method: research. Allele origin: germline. Affected: yes.

Labcorp Genetics (formerly Invitae), Labcorp
Classification: Benign for PRPH2-Related Disorders. Last evaluated: 2019-12-31. Review status: criteria provided, single submitter. Criteria: Invitae Variant Classification Sherloc (09022015). Collection method: clinical testing. Allele origin: germline.

Illumina Laboratory Services, Illumina
Classification: Likely benign for Patterned macular dystrophy 1. Last evaluated: 2018-01-13. Review status: criteria provided, single submitter. Criteria: ICSL Variant Classification Criteria 13 December 2019. Collection method: clinical testing. Allele origin: germline.
Comment: This variant was observed in the ICSL laboratory as part of a predisposition screen in an ostensibly healthy population. It had not been previously curated by ICSL or reported in the Human Gene Mutation Database (HGMD: prior to June 1st, 2018), and was therefore a candidate for classification through an automated scoring system. Utilizing variant allele frequency, disease prevalence and penetrance estimates, and inheritance mode, an automated score was calculated to assess if this variant is too frequent to cause the disease. Based on the score and internal cut-off values, a variant classified as likely benign is not then subjected to further curation. The score for this variant resulted in a classification of likely benign for this disease.

Illumina Laboratory Services, Illumina
Classification: Benign for Retinitis pigmentosa. Last evaluated: 2018-01-13. Review status: criteria provided, single submitter. Criteria: ICSL Variant Classification Criteria 13 December 2019. Collection method: clinical testing. Allele origin: germline.
Comment: This variant was observed in the ICSL laboratory as part of a predisposition screen in an ostensibly healthy population. It had not been previously curated by ICSL or reported in the Human Gene Mutation Database (HGMD: prior to June 1st, 2018), and was therefore a candidate for classification through an automated scoring system. Utilizing variant allele frequency, disease prevalence and penetrance estimates, and inheritance mode, an automated score was calculated to assess if this variant is too frequent to cause the disease. Based on the score and internal cut-off values, a variant classified as benign is not then subjected to further curation. The score for this variant resulted in a classification of benign for this disease.

Illumina Laboratory Services, Illumina
Classification: Benign for Cone-rod dystrophy. Last evaluated: 2018-01-13. Review status: criteria provided, single submitter. Criteria: ICSL Variant Classification Criteria 13 December 2019. Collection method: clinical testing. Allele origin: germline.
Comment: the same text as in the submission from Illumina Laboratory Services, Illumina above.

Illumina Laboratory Services, Illumina
Classification: Benign for Choroidal dystrophy, central areolar 2. Last evaluated: 2018-01-13. Review status: criteria provided, single submitter. Criteria: ICSL Variant Classification Criteria 13 December 2019. Collection method: clinical testing. Allele origin: germline.
Comment: the same text as in the submission from Illumina Laboratory Services, Illumina above.

Illumina Laboratory Services, Illumina
Classification: Benign for Vitelliform macular dystrophy 3. Last evaluated: 2018-01-13. Review status: criteria provided, single submitter. Criteria: ICSL Variant Classification Criteria 13 December 2019. Collection method: clinical testing. Allele origin: germline.
Comment: the same text as in the submission from Illumina Laboratory Services, Illumina above.

Illumina Laboratory Services, Illumina
Classification: Likely benign for Pigmentary retinal dystrophy. Last evaluated: 2018-01-13. Review status: criteria provided, single submitter. Criteria: ICSL Variant Classification Criteria 13 December 2019. Collection method: clinical testing. Allele origin: germline.
Comment: the same text as in the submission from Illumina Laboratory Services, Illumina above.

Breakthrough Genomics
Classification: Likely benign. Review status: criteria provided, single submitter. Criteria: ACMG Guidelines, 2015. Collection method: not provided. Allele origin: germline. Inheritance: Autosomal recessive inheritance. Affected: yes.

NM_000322.5(PRPH2):c.909C>T (p.Ser303=)

Gene: PRPH2 (peripherin 2; minus strand). Cytogenetic location: 6p21.1.
Variant type: single nucleotide variant.
Coding change: c.909C>T on transcript NM_000322.5 (MANE Select); coding-DNA position 909, C replaced by T.
Protein change: p.Ser303=; no amino-acid change (serine 303 retained).
Molecular consequence: synonymous variant.
Genome position (GRCh38, 1-based): chr6:42,698,427, G>A on the plus strand (C>T on the coding strand, the complement: PRPH2 is on the minus strand). VCF-style: chr6-42698427-G-A. GRCh37 (hg19) VCF-style: chr6-42666165-G-A.
Identifiers: ClinVar variation 778888 (VCV000778888.11), dbSNP rs144111167, ClinGen allele CA3808488.